The following is an entry in ClinVar:

ClinVar aggregate classification (germline): Benign. Review status: criteria provided, multiple submitters, no conflicts (2 of 4 stars). 5 submissions from 5 submitters: Benign (2). 3 of the submissions do not count toward it. Last evaluated 2026-01-26.

Conditions:
ASRGL1-related disorder. Also called: ASRGL1-related condition.

Allele frequency attached by ClinVar (database versions not stated): TOPMed 0.00182; 1000 Genomes Project 0.00060; 1000 Genomes Project 30x 0.00062; gnomAD exomes 0.00101 and 0.00163; ExAC 0.00140; gnomAD 0.00144 and 0.00149; ESP Exome Variant Server 0.00146.
gnomAD v4.1: 1,810 of 1,614,208 alleles (0.11%); highest among the groups gnomAD compares: Middle Eastern, 1.4%; 7 homozygotes.

Submissions (5):

Labcorp Genetics (formerly Invitae), Labcorp
Classification: Benign. Last evaluated: 2026-01-26. Review status: criteria provided, single submitter. Criteria: Invitae Variant Classification Sherloc (09022015). Collection method: clinical testing. Allele origin: germline.

Breakthrough Genomics
Classification: Benign. Review status: criteria provided, single submitter. Criteria: ACMG Guidelines, 2015. Collection method: not provided. Allele origin: germline. Inheritance: Unknown mechanism. Affected: yes.

PreventionGenetics, part of Exact Sciences
Classification: Benign for ASRGL1-related condition. Last evaluated: 2019-09-12. Review status: no assertion criteria provided. Collection method: clinical testing. Allele origin: germline. Not counted in ClinVar's aggregate classification.
Comment: This variant is classified as benign based on ACMG/AMP sequence variant interpretation guidelines (Richards et al. 2015 PMID: 25741868, with internal and published modifications).

Clinical Genetics DNA and cytogenetics Diagnostics Lab, Erasmus MC, Erasmus Medical Center
Classification: Likely benign. Review status: no assertion criteria provided. Collection method: clinical testing. Allele origin: germline. Affected: yes. Study: VKGL Data-share Consensus. Not counted in ClinVar's aggregate classification.

Clinical Genetics, Academic Medical Center
Classification: Benign. Review status: no assertion criteria provided. Collection method: clinical testing. Allele origin: germline. Affected: yes. Study: VKGL Data-share Consensus. Not counted in ClinVar's aggregate classification.

NM_001083926.2(ASRGL1):c.867G>A (p.Lys289=)

Gene: ASRGL1 (asparaginase and isoaspartyl peptidase 1; plus strand). Cytogenetic location: 11q12.3.
Variant type: single nucleotide variant.
Coding change: c.867G>A on transcript NM_001083926.2 (MANE Select); coding-DNA position 867, G replaced by A.
Protein change: p.Lys289=; no amino-acid change (lysine 289 retained).
Molecular consequence: synonymous variant.
Genome position (GRCh38, 1-based): chr11:62,392,224, G>A. VCF-style: chr11-62392224-G-A. GRCh37 (hg19) VCF-style: chr11-62159696-G-A.
Other names: c.867G>A (NM_025080.3); c.867G>A, p.Lys289= (NM_025080.4).
Identifiers: ClinVar variation 1168090 (VCV001168090.15), dbSNP rs145379105, ClinGen allele CA6043340.